The following is an entry in ClinVar:

NM_006265.3(RAD21):c.159A>G (p.Leu53=)

Gene: RAD21 (RAD21 cohesin complex component; minus strand). Cytogenetic location: 8q24.11.
Variant type: single nucleotide variant.
Coding change: c.159A>G on transcript NM_006265.3 (MANE Select); coding-DNA position 159, A replaced by G.
Protein change: p.Leu53=; no amino-acid change (leucine 53 retained).
Molecular consequence: synonymous variant.
Genome position (GRCh38, 1-based): chr8:116,863,245, T>C on the plus strand (A>G on the coding strand, the complement: RAD21 is on the minus strand). VCF-style: chr8-116863245-T-C. GRCh37 (hg19) VCF-style: chr8-117875484-T-C.
Identifiers: ClinVar variation 772049 (VCV000772049.17), dbSNP rs186566723, ClinGen allele CA4853142.

ClinVar aggregate classification (germline): Likely benign. Review status: criteria provided, multiple submitters, no conflicts (2 of 4 stars). 4 submissions from 4 submitters: Likely benign (3). 1 of the submissions does not count toward it. Last evaluated 2026-02-01.

Conditions:
RAD21-related disorder. Also called: RAD21-related condition; RAD21- Related disorders.
Cornelia de Lange syndrome 4 (CDLS4). Also called: RAD21-Related Cornelia de Lange Syndrome; CORNELIA DE LANGE SYNDROME 4 WITH OR WITHOUT MIDLINE BRAIN DEFECTS. Identifiers: Orphanet 199, MedGen C3553517, MONDO:0013864, OMIM 614701.

Allele frequency attached by ClinVar (database versions not stated): gnomAD exomes 0.00009 and 0.00011; gnomAD 0.00010 and 0.00011; ExAC 0.00012; TOPMed 0.00014; 1000 Genomes Project 0.00040; 1000 Genomes Project 30x 0.00062.

Submissions (4):

CeGaT Center for Human Genetics Tuebingen
Classification: Likely benign. Last evaluated: 2026-02-01. Review status: criteria provided, single submitter. Criteria: CeGaT Center For Human Genetics Tuebingen Variant Classification Criteria Version 2. Collection method: clinical testing. Allele origin: germline. Affected: yes. Observed: 1 variant allele.
Comment: RAD21: BP4, BP7

Labcorp Genetics (formerly Invitae), Labcorp
Classification: Likely benign for Cornelia de Lange syndrome 4. Last evaluated: 2026-01-28. Review status: criteria provided, single submitter. Criteria: Invitae Variant Classification Sherloc (09022015). Collection method: clinical testing. Allele origin: germline.

Blueprint Genetics
Classification: Likely benign. Last evaluated: 2023-06-08. Review status: criteria provided, single submitter. Criteria: ACMG Guidelines, 2015. Collection method: clinical testing. Allele origin: germline.

PreventionGenetics, part of Exact Sciences
Classification: Likely benign for RAD21-related condition. Last evaluated: 2021-08-20. Review status: no assertion criteria provided. Collection method: clinical testing. Allele origin: germline. Not counted in ClinVar's aggregate classification.
Comment: This variant is classified as likely benign based on ACMG/AMP sequence variant interpretation guidelines (Richards et al. 2015 PMID: 25741868, with internal and published modifications).